The following is an entry in ClinVar:

NM_176787.5(PIGN):c.318T>G (p.Tyr106Ter)

Gene: PIGN (phosphatidylinositol glycan anchor biosynthesis class N; minus strand). Cytogenetic location: 18q21.33.
Variant type: single nucleotide variant.
Coding change: c.318T>G on transcript NM_176787.5 (MANE Select); coding-DNA position 318, T replaced by G.
Protein change: p.Tyr106Ter; replaces tyrosine 106 with a stop codon.
Molecular consequence: nonsense.
Genome position (GRCh38, 1-based): chr18:62,157,712, A>C on the plus strand (T>G on the coding strand, the complement: PIGN is on the minus strand). VCF-style: chr18-62157712-A-C. GRCh37 (hg19) VCF-style: chr18-59824945-A-C.
Other names: c.318T>G, p.Tyr106Ter (NM_001438896.1, NM_001438904.1, NM_001438905.1 and 2 more transcripts); short protein forms Y106*.
Identifiers: ClinVar variation 4761350 (VCV004761350.1).
Genomic context (GRCh38, chr18:62,157,712, plus strand): 5'-TTTTCATTTCATAAGATTGTCCAAATAGACAATACCTTTGGCAACTGCACTGACATCTTC[A>C]TAAAACCCAGCTATCAGAGCTACATGACCTGGCCGAGATTCTGTTGGCACACGTGTATGA-3'

ClinVar aggregate classification (germline): Pathogenic (1 of 4 stars; one submission).

Conditions:
Multiple congenital anomalies-hypotonia-seizures syndrome 1 (MCAHS1). Also called: PIGN-CDG; Congenital disorder of glycosylation due to PIGN deficiency; GLYCOSYLPHOSPHATIDYLINOSITOL BIOSYNTHESIS DEFECT 3. Identifiers: Orphanet 280633, MedGen C3279775, MONDO:0013563, OMIM 614080.

gnomAD v4.1: 2 of 1,612,004 alleles (0.00012%); highest among the groups gnomAD compares: Non-Finnish European, 0.00017%; no homozygotes.

Submission:

Labcorp Genetics (formerly Invitae), Labcorp
Classification: Pathogenic for Multiple congenital anomalies-hypotonia-seizures syndrome 1. Last evaluated: 2025-11-02. Review status: criteria provided, single submitter. Criteria: Invitae Variant Classification Sherloc (09022015). Collection method: clinical testing. Allele origin: germline.
Comment: This sequence change creates a premature translational stop signal (p.Tyr106*) in the PIGN gene. It is expected to result in an absent or disrupted protein product. Loss-of-function variants in PIGN are known to be pathogenic (PMID: 24253414, 27038415). The frequency data for this variant in the population databases is considered unreliable, as metrics indicate poor data quality at this position in the gnomAD database. This variant has not been reported in the literature in individuals affected with PIGN-related conditions. Algorithms developed to predict the effect of sequence changes on RNA splicing suggest that this variant may disrupt the consensus splice site. For these reasons, this variant has been classified as Pathogenic.

Literature cited by the submitters: PubMed 24253414; PubMed 27038415.